The following is an entry in ClinVar:

ClinVar aggregate classification (germline): Conflicting classifications of pathogenicity. Review status: criteria provided, conflicting classifications (1 of 4 stars). 6 submissions from 6 submitters: Likely pathogenic (1); Uncertain significance (3). 2 of the submissions do not count toward it. Last evaluated 2025-07-28.

Conditions:
Cystic fibrosis (CF). Also called: MUCOVISCIDOSIS. Identifiers: Orphanet 586, MedGen C0010674, MONDO:0009061, OMIM 219700. Disease mechanism: loss of function.
CFTR-related disorder (CFTR-RD). Also called: CFTR-related disorders; CFTR-related condition. Identifiers: MedGen C5924204, MONDO:7770004.

Allele frequency attached by ClinVar (database versions not stated): gnomAD exomes 0.00001; ESP Exome Variant Server 0.00008; ExAC 0.00001.
gnomAD v4.1: 13 of 1,613,488 alleles (0.00081%); highest among the groups gnomAD compares: Non-Finnish European, 0.001%; no homozygotes.

Submissions (6):

Labcorp Genetics (formerly Invitae), Labcorp
Classification: Likely pathogenic for Cystic fibrosis. Last evaluated: 2025-07-28. Review status: criteria provided, single submitter. Criteria: Invitae Variant Classification Sherloc (09022015). Collection method: clinical testing. Allele origin: germline.
Comment: This sequence change replaces threonine, which is neutral and polar, with proline, which is neutral and non-polar, at codon 1396 of the CFTR protein (p.Thr1396Pro). This variant is present in population databases (rs375552160, gnomAD 0.002%). This missense change has been observed in individual(s) with bilateral absence of vas deferens and/or CFTR-related metabolic syndrome (PMID: 23810505; internal data). In at least one individual the data is consistent with being in trans (on the opposite chromosome) from a pathogenic variant. It has also been observed to segregate with disease in related individuals. ClinVar contains an entry for this variant (Variation ID: 577827). Invitae Evidence Modeling of protein sequence and biophysical properties (such as structural, functional, and spatial information, amino acid conservation, physicochemical variation, residue mobility, and thermodynamic stability) indicates that this missense variant is expected to disrupt CFTR protein function with a positive predictive value of 80%. In summary, the currently available evidence indicates that the variant is pathogenic, but additional data are needed to prove that conclusively. Therefore, this variant has been classified as Likely Pathogenic.

Women's Health and Genetics/Laboratory Corporation of America, LabCorp
Classification: Uncertain significance. Last evaluated: 2025-04-07. Review status: criteria provided, single submitter. Criteria: LabCorp Variant Classification Summary - May 2015. Collection method: clinical testing. Allele origin: germline.
Comment: Variant summary: CFTR c.4186A>C (p.Thr1396Pro) results in a non-conservative amino acid change in the encoded protein sequence. Five of five in-silico tools predict a damaging effect of the variant on protein function. The variant allele was found at a frequency of 8e-06 in 250590 control chromosomes. The available data on variant occurrences in the general population are insufficient to allow any conclusion about variant significance. c.4186A>C has been reported in the literature in compound heterozygous individuals affected with Cystic Fibrosis (Guerts_2020) or CFTR-related metabolic syndrome (Prach_2013) or in additional individuals without informative phenotype or second variant (e.g, Lefterova_2016, Salinas_2023). These data do not allow any conclusion about variant significance. To our knowledge, no experimental evidence demonstrating an impact on protein function has been reported. The following publications have been ascertained in the context of this evaluation (PMID: 32084388, 26847993, 23810505, 36409994). ClinVar contains an entry for this variant (Variation ID: 577827). Based on the evidence outlined above, the variant was classified as uncertain significance.

Johns Hopkins Genomics, Johns Hopkins University
Classification: Uncertain significance for Cystic fibrosis. Last evaluated: 2022-06-15. Review status: criteria provided, single submitter. Criteria: ACMG Guidelines, 2015. Collection method: clinical testing. Allele origin: germline.
Comment: This CFTR variant (rs375552160) is rare (<0.1%) in a large population dataset (gnomAD: 2/250590 total alleles; 0.0008%; no homozygotes) and it has a ClinVar entry (Variation ID: 577827). Three bioinformatic tools queried predict that this substitution would be damaging and the threonine residue at this position is evolutionarily conserved across all species assessed. We consider the clinical significance of CFTR c.4186A>C to be uncertain at this time.

Ambry Genetics
Classification: Uncertain significance for Cystic fibrosis. Last evaluated: 2021-12-13. Review status: criteria provided, single submitter. Criteria: Ambry Variant Classification Scheme 2023. Collection method: clinical testing. Allele origin: germline.
Comment: The p.T1396P variant (also known as c.4186A>C), located in coding exon 26 of the CFTR gene, results from an A to C substitution at nucleotide position 4186. The threonine at codon 1396 is replaced by proline, an amino acid with highly similar properties. This variant was detected in an infant with an abnormal newborn screen and negative sweat chloride levels in trans with a pathogenic mutation (Prach L, et al. J Mol Diagn. 2013 Sep; 15(5):710-22). This amino acid position is highly conserved in available vertebrate species. In addition, this alteration is predicted to be deleterious by in silico analysis. Since supporting evidence is limited at this time, the clinical significance of this variant remains unclear.

Molecular Genetics Laboratory, BC Children's and BC Women's Hospitals
Classification: Uncertain significance for Cystic fibrosis. Last evaluated: 2025-12-30. Review status: no assertion criteria provided. Criteria: ACMG Guidelines, 2015. Collection method: clinical testing. Allele origin: germline. Not counted in ClinVar's aggregate classification.

Natera, Inc.
Classification: Uncertain significance for CFTR-related disorders. Last evaluated: 2019-02-05. Review status: no assertion criteria provided. Collection method: clinical testing. Allele origin: germline. Not counted in ClinVar's aggregate classification.

Literature cited by the submitters: PubMed 23810505 (cited by 4 submitters); PubMed 26847993 (cited by Women's Health and Genetics/Laboratory Corporation of America, LabCorp); PubMed 32084388 (cited by Women's Health and Genetics/Laboratory Corporation of America, LabCorp); PubMed 36409994 (cited by Women's Health and Genetics/Laboratory Corporation of America, LabCorp).

NM_000492.4(CFTR):c.4186A>C (p.Thr1396Pro)

Gene: CFTR (CF transmembrane conductance regulator; plus strand). Cytogenetic location: 7q31.2.
Variant type: single nucleotide variant.
Coding change: c.4186A>C on transcript NM_000492.4 (MANE Select); coding-DNA position 4186, A replaced by C.
Protein change: p.Thr1396Pro; replaces threonine 1396 with proline.
Molecular consequence: missense variant.
Genome position (GRCh38, 1-based): chr7:117,665,508, A>C. VCF-style: chr7-117665508-A-C. GRCh37 (hg19) VCF-style: chr7-117305562-A-C.
Other names: short protein forms T1396P.
Identifiers: ClinVar variation 577827 (VCV000577827.11), dbSNP rs375552160, ClinGen allele CA4451658.